The following is an entry in ClinVar:

ClinVar aggregate classification (germline): Uncertain significance (1 of 4 stars; one submission).

Conditions:
Fanconi anemia (FA). Also called: Fanconi's anemia. Identifiers: Orphanet 84, MedGen C0015625, MeSH D005199, MONDO:0019391.

Submission:

Labcorp Genetics (formerly Invitae), Labcorp
Classification: Uncertain significance for Fanconi anemia. Last evaluated: 2020-11-10. Review status: criteria provided, single submitter. Criteria: Invitae Variant Classification Sherloc (09022015). Collection method: clinical testing. Allele origin: germline.
Comment: In summary, the available evidence is currently insufficient to determine the role of this variant in disease. Therefore, it has been classified as a Variant of Uncertain Significance. Algorithms developed to predict the effect of sequence changes on RNA splicing suggest that this variant may create or strengthen a splice site, but this prediction has not been confirmed by published transcriptional studies. Algorithms developed to predict the effect of missense changes on protein structure and function are either unavailable or do not agree on the potential impact of this missense change (SIFT: "Tolerated"; PolyPhen-2: "Probably Damaging"; Align-GVGD: "Class C0"). This variant has not been reported in the literature in individuals with FANCI-related conditions. This variant is not present in population databases (ExAC no frequency). This sequence change replaces aspartic acid with tyrosine at codon 2 of the FANCI protein (p.Asp2Tyr). The aspartic acid residue is moderately conserved and there is a large physicochemical difference between aspartic acid and tyrosine.

NM_001113378.2(FANCI):c.4G>T (p.Asp2Tyr)

Gene: FANCI (FA complementation group I; plus strand). Cytogenetic location: 15q26.1.
Variant type: single nucleotide variant.
Coding change: c.4G>T on transcript NM_001113378.2 (MANE Select); coding-DNA position 4, G replaced by T.
Protein change: p.Asp2Tyr; replaces aspartic acid 2 with tyrosine.
Molecular consequence: missense variant. On other transcripts: 5 prime UTR variant (1).
Genome position (GRCh38, 1-based): chr15:89,247,651, G>T. VCF-style: chr15-89247651-G-T. GRCh37 (hg19) VCF-style: chr15-89790882-G-T.
Other names: c.-271G>T (NM_001376910.1); c.4G>T, p.Asp2Tyr (NM_001376911.1, NM_018193.3); short protein forms D2Y.
Identifiers: ClinVar variation 1404691 (VCV001404691.8), dbSNP rs2151054381, ClinGen allele CA393736272.